The following is an entry in ClinVar:

ClinVar aggregate classification (germline): Uncertain significance (1 of 4 stars; one submission).

Conditions:
Cardiovascular phenotype. Identifiers: MedGen CN230736.

Allele frequency attached by ClinVar (database versions not stated): gnomAD exomes below 0.00001; ExAC 0.00001; TOPMed 0.00001; gnomAD 0.00003.
gnomAD v4.1: 8 of 1,614,106 alleles (0.0005%); highest among the groups gnomAD compares: Admixed American, 0.0067%; no homozygotes.

Submission:

Ambry Genetics
Classification: Uncertain significance for Cardiovascular phenotype. Last evaluated: 2020-11-24. Review status: criteria provided, single submitter. Criteria: Ambry Variant Classification Scheme 2023. Collection method: clinical testing. Allele origin: germline.
Comment: The p.N1345S variant (also known as c.4034A>G), located in coding exon 22 of the SCN10A gene, results from an A to G substitution at nucleotide position 4034. The asparagine at codon 1345 is replaced by serine, an amino acid with highly similar properties. This amino acid position is well conserved in available vertebrate species. In addition, the in silico prediction for this alteration is inconclusive. Since supporting evidence is limited at this time, the clinical significance of this alteration remains unclear.

NM_006514.4(SCN10A):c.4034A>G (p.Asn1345Ser)

Gene: SCN10A (sodium voltage-gated channel alpha subunit 10; minus strand). Cytogenetic location: 3p22.2.
Variant type: single nucleotide variant.
Coding change: c.4034A>G on transcript NM_006514.4 (MANE Select); coding-DNA position 4034, A replaced by G.
Protein change: p.Asn1345Ser; replaces asparagine 1345 with serine.
Molecular consequence: missense variant.
Genome position (GRCh38, 1-based): chr3:38,712,216, T>C on the plus strand (A>G on the coding strand, the complement: SCN10A is on the minus strand). VCF-style: chr3-38712216-T-C. GRCh37 (hg19) VCF-style: chr3-38753707-T-C.
Other names: c.4031A>G, p.Asn1344Ser (NM_001293306.2); c.3740A>G, p.Asn1247Ser (NM_001293307.2); short protein forms N1344S, N1345S, N1247S.
Identifiers: ClinVar variation 1737225 (VCV001737225.2), dbSNP rs767609550, ClinGen allele CA2320050.